The following is an entry in ClinVar:

NM_001267550.2(TTN):c.100701_100702dup (p.Tyr33568fs)

Genes: TTN (titin; minus strand), TTN-AS1 (TTN antisense RNA 1; plus strand). Cytogenetic location: 2q31.2.
Variant type: Duplication.
Coding change: c.100701_100702dup on transcript NM_001267550.2 (MANE Select); coding-DNA positions 100701 to 100702, 2 bases duplicated (TT; older notation c.100701_100702dupTT).
Protein change: p.Tyr33568fs; shifts the reading frame from tyrosine 33568.
Molecular consequence: frameshift variant.
Genome position (GRCh38, 1-based): chr2:178,536,045-178,536,046, AA duplicated on the plus strand (TT on the coding strand, the reverse complement: TTN is on the minus strand); duplicating any 2 consecutive bases within chr2:178,536,045-178,536,047 gives the same sequence; the c. name uses the placement nearest the transcript's 3' end. VCF-style (leftmost placement, unchanged base first): chr2-178536044-T-TAA. GRCh37 (hg19) VCF-style: chr2-179400771-T-TAA.
Other names: c.95778_95779dup, p.Tyr31927fs (NM_001256850.1); c.73506_73507dup, p.Tyr24503fs (NM_003319.4); c.92997_92998dup, p.Tyr31000fs (NM_133378.4); c.73881_73882dup, p.Tyr24628fs (NM_133432.3); c.74082_74083dup, p.Tyr24695fs (NM_133437.4); short protein forms Y24503fs, Y31927fs, Y33568fs, Y31000fs, Y24628fs, Y24695fs.
Identifiers: ClinVar variation 1485215 (VCV001485215.8), dbSNP rs2154137167, ClinGen allele CA2573134067.

ClinVar aggregate classification (germline): Likely pathogenic (1 of 4 stars; one submission).

Conditions:
Dilated cardiomyopathy 1G (CMD1G). Identifiers: Orphanet 154, MedGen C1858763, MONDO:0011400, OMIM 604145.
Autosomal recessive limb-girdle muscular dystrophy type 2J (LGMDR10). Also called: Limb-girdle muscular dystrophy, type 2J; MUSCULAR DYSTROPHY, LIMB-GIRDLE, AUTOSOMAL RECESSIVE 10. Identifiers: Orphanet 140922, MedGen C1837342, MONDO:0012127, OMIM 608807.

Submission:

Labcorp Genetics (formerly Invitae), Labcorp
Classification: Likely pathogenic for Dilated cardiomyopathy 1G; Autosomal recessive limb-girdle muscular dystrophy type 2J. Last evaluated: 2021-04-26. Review status: criteria provided, single submitter. Criteria: Invitae Variant Classification Sherloc (09022015). Collection method: clinical testing. Allele origin: germline.
Comment: This sequence change creates a premature translational stop signal (p.Tyr33568Phefs*60) in the TTN gene. While this is not anticipated to result in nonsense mediated decay, it is expected to create a truncated TTN protein. This variant is not present in population databases (ExAC no frequency). This variant has not been reported in the literature in individuals with TTN-related conditions. In summary, the currently available evidence indicates that the variant is pathogenic, but additional data are needed to prove that conclusively. Therefore, this variant has been classified as Likely Pathogenic. This frameshift variant disrupts the A band of TTN and results in a premature translational stop codon in the M band (PMID: 25589632). Variants in this region may be relevant for cardiac or neuromuscular disorders (PMID: 25589632, 23975875).

Literature cited by the submitters: PubMed 25589632; PubMed 23975875.